The following is an entry in ClinVar:

NM_001270974.2(HYDIN):c.9223C>T (p.Arg3075Cys)

Gene: HYDIN (HYDIN axonemal central pair apparatus protein; minus strand). Cytogenetic location: 16q22.2.
Variant type: single nucleotide variant.
Coding change: c.9223C>T on transcript NM_001270974.2 (MANE Select); coding-DNA position 9223, C replaced by T.
Protein change: p.Arg3075Cys; replaces arginine 3075 with cysteine.
Molecular consequence: missense variant.
Genome position (GRCh38, 1-based): chr16:70,894,474, G>A on the plus strand (C>T on the coding strand, the complement: HYDIN is on the minus strand). VCF-style: chr16-70894474-G-A. GRCh37 (hg19) VCF-style: chr16-70928377-G-A.
Other names: short protein forms R3075C.
Identifiers: ClinVar variation 1206104 (VCV001206104.32), dbSNP rs199706377, ClinGen allele CA8149576.

ClinVar aggregate classification (germline): Conflicting classifications of pathogenicity. Review status: criteria provided, conflicting classifications (1 of 4 stars). 7 submissions from 7 submitters: Uncertain significance (4); Likely benign (1). 2 of the submissions do not count toward it. Last evaluated 2026-09-01.

Conditions:
Primary ciliary dyskinesia 5. Also called: CILIARY DYSKINESIA, PRIMARY, 5, WITHOUT SITUS INVERSUS. Identifiers: Orphanet 244, MedGen C1837615, MONDO:0012088, OMIM 608647.

Allele frequency attached by ClinVar (database versions not stated): 1000 Genomes Project 0.00100; 1000 Genomes Project 30x 0.00109; ExAC 0.00117; gnomAD exomes 0.00122 and 0.00237; gnomAD 0.00149; TOPMed 0.00151; ESP Exome Variant Server 0.00218.
gnomAD v4.1: 3,641 of 1,594,362 alleles (0.23%); highest among the groups gnomAD compares: Non-Finnish European, 0.28%; 5 homozygotes.

Submissions (7):

CeGaT Center for Human Genetics Tuebingen
Classification: Likely benign. Last evaluated: 2026-09-01. Review status: criteria provided, single submitter. Criteria: CeGaT Center For Human Genetics Tuebingen Variant Classification Criteria Version 2. Collection method: clinical testing. Allele origin: germline. Affected: yes. Observed: 6 variant alleles.
Comment: HYDIN: BP4, BS2

GeneDx
Classification: Uncertain significance. Last evaluated: 2025-04-13. Review status: criteria provided, single submitter. Criteria: GeneDx Variant Classification Process June 2021. Collection method: clinical testing. Allele origin: germline. Affected: yes.
Comment: Reported in the published literature in two siblings with chronic wet cough who also harbor an additional missense variant in the HYDIN gene (PMID: 39317196); In silico analysis supports that this missense variant has a deleterious effect on protein structure/function; This variant is associated with the following publications: (PMID: 39317196)

Blueprint Genetics
Classification: Uncertain significance. Last evaluated: 2024-11-18. Review status: criteria provided, single submitter. Criteria: ACMG Guidelines, 2015. Collection method: clinical testing. Allele origin: germline.

Johns Hopkins Genomics, Johns Hopkins University
Classification: Uncertain significance for Primary ciliary dyskinesia 5. Last evaluated: 2022-08-19. Review status: criteria provided, single submitter. Criteria: ACMG Guidelines, 2015. Collection method: clinical testing. Allele origin: germline.
Comment: This HYDIN missense variant (rs199706377) is present in a large population dataset (gnomAD v3.1.2: 223/150244 total alleles; 0.15%; no homozygotes). It has been reported in ClinVar (Variation ID 1206104), but has not been reported in the literature, to our knowledge. Two bioinformatic tools queried predict that this substitution would be damaging, and the arginine residue at this position is evolutionarily conserved across many of the species assessed. We consider the clinical significance of c.9223C>T in HYDIN to be uncertain at this time.

Breakthrough Genomics
Classification: Uncertain significance. Review status: criteria provided, single submitter. Criteria: ACMG Guidelines, 2015. Collection method: not provided. Allele origin: germline. Inheritance: Autosomal recessive inheritance. Affected: yes.

Clinical Genetics DNA and cytogenetics Diagnostics Lab, Erasmus MC, Erasmus Medical Center
Classification: Uncertain significance. Review status: no assertion criteria provided. Collection method: clinical testing. Allele origin: germline. Affected: yes. Study: VKGL Data-share Consensus. Not counted in ClinVar's aggregate classification.

Laboratory of Diagnostic Genome Analysis, Leiden University Medical Center (LUMC)
Classification: Uncertain significance. Review status: no assertion criteria provided. Collection method: clinical testing. Allele origin: germline. Affected: yes. Study: VKGL Data-share Consensus. Not counted in ClinVar's aggregate classification.